The following is an entry in ClinVar:

ClinVar aggregate classification (germline): Likely benign. Review status: criteria provided, multiple submitters, no conflicts (2 of 4 stars). 4 submissions from 4 submitters: Likely benign (4). Last evaluated 2025-10-15.

Conditions:
KBG syndrome (KBGS). Also called: ANKRD11-Related KBG Syndrome. Identifiers: Orphanet 2332, MedGen C0220687, MONDO:0007846, OMIM 148050.
Inborn genetic diseases. Identifiers: MedGen C0950123, MeSH D030342.

Allele frequency attached by ClinVar (database versions not stated): gnomAD 0.00005 and 0.00006; TOPMed 0.00006; ESP Exome Variant Server 0.00008; ExAC 0.00011.
gnomAD v4.1: 122 of 1,613,982 alleles (0.0076%); highest among the groups gnomAD compares: Non-Finnish European, 0.0099%; no homozygotes.

Submissions (4):

Labcorp Genetics (formerly Invitae), Labcorp
Classification: Likely benign for KBG syndrome. Last evaluated: 2025-10-15. Review status: criteria provided, single submitter. Criteria: Invitae Variant Classification Sherloc (09022015). Collection method: clinical testing. Allele origin: germline.

Blueprint Genetics
Classification: Likely benign. Last evaluated: 2024-11-06. Review status: criteria provided, single submitter. Criteria: ACMG Guidelines, 2015. Collection method: clinical testing. Allele origin: germline.

CeGaT Center for Human Genetics Tuebingen
Classification: Likely benign. Last evaluated: 2024-02-01. Review status: criteria provided, single submitter. Criteria: CeGaT Center For Human Genetics Tuebingen Variant Classification Criteria Version 2. Collection method: clinical testing. Allele origin: germline. Affected: yes. Observed: 2 variant alleles.
Comment: ANKRD11: BP4, BP7

Ambry Genetics
Classification: Likely benign for Inborn genetic diseases. Last evaluated: 2016-08-09. Review status: criteria provided, single submitter. Criteria: Ambry Variant Classification Scheme 2023. Collection method: clinical testing. Allele origin: germline.

NM_013275.6(ANKRD11):c.3969C>T (p.Val1323=)

Gene: ANKRD11 (ankyrin repeat domain 11; minus strand). Cytogenetic location: 16q24.3.
Variant type: single nucleotide variant.
Coding change: c.3969C>T on transcript NM_013275.6 (MANE Select); coding-DNA position 3969, C replaced by T.
Protein change: p.Val1323=; no amino-acid change (valine 1323 retained).
Molecular consequence: synonymous variant.
Genome position (GRCh38, 1-based): chr16:89,282,573, G>A on the plus strand (C>T on the coding strand, the complement: ANKRD11 is on the minus strand). VCF-style: chr16-89282573-G-A. GRCh37 (hg19) VCF-style: chr16-89348981-G-A.
Other names: c.3969C>T, p.Val1323= (NM_001256182.2, NM_001256183.2).
Identifiers: ClinVar variation 589312 (VCV000589312.46), dbSNP rs201938879, ClinGen allele CA8242240.